The following is an entry in ClinVar:

ClinVar aggregate classification (germline): Benign/Likely benign. Review status: criteria provided, multiple submitters, no conflicts (2 of 4 stars). 4 submissions from 4 submitters: Benign (2); Likely benign (1). 1 of the submissions does not count toward it. Last evaluated 2026-02-11.

Conditions:
CACNA1A-related disorder. Also called: CACNA1A-related condition.
Episodic ataxia type 2 (EA2). Also called: ATAXIA, EPISODIC, WITH NYSTAGMUS; ATAXIA, FAMILIAL PAROXYSMAL; CEREBELLAR ATAXIA, PAROXYSMAL, ACETAZOLAMIDE-RESPONSIVE; CEREBELLOPATHY, HEREDITARY PAROXYSMAL; EPISODIC ATAXIA, NYSTAGMUS-ASSOCIATED; ACETAZOLAMIDE-RESPONSIVE HEREDITARY PAROXYSMAL CEREBELLAR ATAXIA. Identifiers: Orphanet 97, MedGen C1720416, MONDO:0007163, OMIM 108500.
Developmental and epileptic encephalopathy, 42 (DEE42A). Also called: Epileptic encephalopathy, early infantile, 42; DEVELOPMENTAL AND EPILEPTIC ENCEPHALOPATHY 42A; EPILEPTIC ENCEPHALOPATHY, EARLY INFANTILE, 42A. Identifiers: MedGen C4310716, MONDO:0014917, OMIM 617106.
Inborn genetic diseases. Identifiers: MedGen C0950123, MeSH D030342.

Allele frequency attached by ClinVar (database versions not stated): TOPMed 0.00002; gnomAD exomes 0.00003 and 0.00017; gnomAD 0.00006; ExAC 0.00020.
gnomAD v4.1: 51 of 1,549,768 alleles (0.0033%); highest among the groups gnomAD compares: Admixed American, 0.085%; no homozygotes.

Submissions (4):

Ambry Genetics
Classification: Likely benign for Inborn genetic diseases. Last evaluated: 2026-02-11. Review status: criteria provided, single submitter. Criteria: Ambry Variant Classification Scheme 2023. Collection method: clinical testing. Allele origin: germline.

Labcorp Genetics (formerly Invitae), Labcorp
Classification: Benign for Developmental and epileptic encephalopathy, 42; Episodic ataxia type 2. Last evaluated: 2026-01-27. Review status: criteria provided, single submitter. Criteria: Invitae Variant Classification Sherloc (09022015). Collection method: clinical testing. Allele origin: germline.

GeneDx
Classification: Benign. Last evaluated: 2019-12-26. Review status: criteria provided, single submitter. Criteria: GeneDx Variant Classification Process June 2021. Collection method: clinical testing. Allele origin: germline. Affected: yes.

PreventionGenetics, part of Exact Sciences
Classification: Likely benign for CACNA1A-related condition. Last evaluated: 2022-01-17. Review status: no assertion criteria provided. Collection method: clinical testing. Allele origin: germline. Not counted in ClinVar's aggregate classification.
Comment: This variant is classified as likely benign based on ACMG/AMP sequence variant interpretation guidelines (Richards et al. 2015 PMID: 25741868, with internal and published modifications).

NM_001127222.2(CACNA1A):c.294-6C>T

Gene: CACNA1A (calcium voltage-gated channel subunit alpha1 A; minus strand). Cytogenetic location: 19p13.13.
Variant type: single nucleotide variant.
Coding change: c.294-6C>T on transcript NM_001127222.2 (MANE Select); 6 bases into the intron before coding-DNA position 294, C replaced by T.
Molecular consequence: intron variant.
Genome position (GRCh38, 1-based): chr19:13,455,218, G>A on the plus strand (C>T on the coding strand, the complement: CACNA1A is on the minus strand). VCF-style: chr19-13455218-G-A. GRCh37 (hg19) VCF-style: chr19-13566032-G-A.
Other names: c.294-6C>T (NM_001127221.2, NM_001174080.2, NM_000068.4 and 2 more transcripts).
Identifiers: ClinVar variation 385128 (VCV000385128.17), dbSNP rs764502828, ClinGen allele CA9241068.